The following is an entry in ClinVar:

ClinVar aggregate classification (germline): Likely benign. Review status: criteria provided, multiple submitters, no conflicts (2 of 4 stars). 2 submissions from 2 submitters: Likely benign (2). Last evaluated 2026-07-01.

Conditions:
Aortic aneurysm, familial thoracic 6 (AAT6). Also called: FAMILIAL THORACIC AORTIC ANEURYSM WITH LIVEDO RETICULARIS AND IRIS FLOCCULI. Identifiers: MedGen C2673186, MONDO:0012730, OMIM 611788.

Allele frequency attached by ClinVar (database versions not stated): gnomAD exomes below 0.00001.
gnomAD v4.1: 2 of 1,613,958 alleles (0.00012%); highest among the groups gnomAD compares: Admixed American, 0.0017%; no homozygotes.

Submissions (2):

CeGaT Center for Human Genetics Tuebingen
Classification: Likely benign. Last evaluated: 2026-07-01. Review status: criteria provided, single submitter. Criteria: CeGaT Center For Human Genetics Tuebingen Variant Classification Criteria Version 2. Collection method: clinical testing. Allele origin: germline. Affected: yes. Observed: 1 variant allele.
Comment: ACTA2: BP4, BP7

Labcorp Genetics (formerly Invitae), Labcorp
Classification: Likely benign for Aortic aneurysm, familial thoracic 6. Last evaluated: 2018-05-18. Review status: criteria provided, single submitter. Criteria: Invitae Variant Classification Sherloc (09022015). Collection method: clinical testing. Allele origin: germline.

NM_001613.4(ACTA2):c.492T>C (p.Asn164=)

Gene: ACTA2 (actin alpha 2, smooth muscle; minus strand). Cytogenetic location: 10q23.31.
Variant type: single nucleotide variant.
Coding change: c.492T>C on transcript NM_001613.4 (MANE Select); coding-DNA position 492, T replaced by C.
Protein change: p.Asn164=; no amino-acid change (asparagine 164 retained).
Molecular consequence: synonymous variant.
Genome position (GRCh38, 1-based): chr10:88,941,353, A>G on the plus strand (T>C on the coding strand, the complement: ACTA2 is on the minus strand). VCF-style: chr10-88941353-A-G. GRCh37 (hg19) VCF-style: chr10-90701110-A-G.
Other names: c.492T>C, p.Asn164= (NM_001141945.3, NM_001320855.2, NM_001406462.1 and 3 more transcripts); c.381T>C, p.Asn127= (NM_001406466.1); c.363T>C, p.Asn121= (NM_001406467.1, NM_001406468.1, NM_001406469.1).
Identifiers: ClinVar variation 760283 (VCV000760283.13), dbSNP rs1468907232, ClinGen allele CA470734570.